The following is an entry in ClinVar:

NM_000069.3(CACNA1S):c.3044G>A (p.Gly1015Glu)

Gene: CACNA1S (calcium voltage-gated channel subunit alpha1 S; minus strand). Cytogenetic location: 1q32.1.
Variant type: single nucleotide variant.
Coding change: c.3044G>A on transcript NM_000069.3 (MANE Select); coding-DNA position 3044, G replaced by A.
Protein change: p.Gly1015Glu; replaces glycine 1015 with glutamic acid.
Molecular consequence: missense variant.
Genome position (GRCh38, 1-based): chr1:201,061,953, C>T on the plus strand (G>A on the coding strand, the complement: CACNA1S is on the minus strand). VCF-style: chr1-201061953-C-T. GRCh37 (hg19) VCF-style: chr1-201031081-C-T.
Other names: short protein forms G1015E.
Identifiers: ClinVar variation 3750612 (VCV003750612.2).

ClinVar aggregate classification (germline): Uncertain significance (1 of 4 stars; one submission).

Conditions:
Malignant hyperthermia, susceptibility to, 5 (MHS5). Also called: CACNA1S-Related Malignant Hyperthermia Susceptibility. Identifiers: Orphanet 423, MedGen C1866077, MONDO:0011163, OMIM 601887.
Hypokalemic periodic paralysis, type 1. Also called: Hypokalemic Periodic Paralysis Type 1 (AD); HypoPP. Identifiers: Orphanet 681, MedGen C3714580, MONDO:0042979, OMIM 170400.

Submission:

Labcorp Genetics (formerly Invitae), Labcorp
Classification: Uncertain significance for Hypokalemic periodic paralysis, type 1; Malignant hyperthermia, susceptibility to, 5. Last evaluated: 2024-12-22. Review status: criteria provided, single submitter. Criteria: Invitae Variant Classification Sherloc (09022015). Collection method: clinical testing. Allele origin: germline.
Comment: This sequence change replaces glycine, which is neutral and non-polar, with glutamic acid, which is acidic and polar, at codon 1015 of the CACNA1S protein (p.Gly1015Glu). This variant is not present in population databases (gnomAD no frequency). This variant has not been reported in the literature in individuals affected with CACNA1S-related conditions. Invitae Evidence Modeling of protein sequence and biophysical properties (such as structural, functional, and spatial information, amino acid conservation, physicochemical variation, residue mobility, and thermodynamic stability) has been performed for this missense variant. However, the output from this modeling did not meet the statistical confidence thresholds required to predict the impact of this variant on CACNA1S protein function. In summary, the available evidence is currently insufficient to determine the role of this variant in disease. Therefore, it has been classified as a Variant of Uncertain Significance.